The following is an entry in ClinVar:

NM_032043.3(BRIP1):c.368C>A (p.Ser123Ter)

Gene: BRIP1 (BRCA1 interacting DNA helicase 1; minus strand). Cytogenetic location: 17q23.2.
Variant type: single nucleotide variant.
Coding change: c.368C>A on transcript NM_032043.3 (MANE Select); coding-DNA position 368, C replaced by A.
Protein change: p.Ser123Ter; replaces serine 123 with a stop codon.
Molecular consequence: nonsense.
Genome position (GRCh38, 1-based): chr17:61,857,069, G>T on the plus strand (C>A on the coding strand, the complement: BRIP1 is on the minus strand). VCF-style: chr17-61857069-G-T. GRCh37 (hg19) VCF-style: chr17-59934430-G-T.
Other names: short protein forms S123*.
Identifiers: ClinVar variation 1803771 (VCV001803771.2), dbSNP rs2145826194, ClinGen allele CA400485284.

ClinVar aggregate classification (germline): Uncertain significance (1 of 4 stars; one submission).

Conditions:
Familial cancer of breast. Also called: BREAST CANCER, FAMILIAL; Hereditary breast cancer; hereditary breast carcinoma. Identifiers: Orphanet 227535, MedGen C0346153, MONDO:0016419, OMIM 114480. Disease mechanism: loss of function.

Submission:

Centre for Mendelian Genomics, University Medical Centre Ljubljana
Classification: Uncertain significance for Familial cancer of breast. Last evaluated: 2022-12-09. Review status: criteria provided, single submitter. Criteria: ACMG Guidelines, 2015. Collection method: research. Allele origin: germline. Affected: no.
Comment: PVS1, PM2_SUP